The following is an entry in ClinVar:

ClinVar aggregate classification (germline): Pathogenic. Review status: criteria provided, single submitter (1 of 4 stars). 2 submissions from 2 submitters: Pathogenic (1). 1 of the submissions does not count toward it. Last evaluated 2025-06-24.

Conditions:
Mowat-Wilson syndrome (MOWS). Also called: Classic Mowat-Wilson Syndrome. Identifiers: Orphanet 2152, MedGen C1856113, MONDO:0009341, OMIM 235730.

Submissions (2):

GeneDx
Classification: Pathogenic. Last evaluated: 2025-06-24. Review status: criteria provided, single submitter. Criteria: GeneDx Variant Classification Process June 2021. Collection method: clinical testing. Allele origin: germline.
Comment: Frameshift variant predicted to result in abnormal protein length as the last 228 amino acid(s) are replaced with 86 different amino acid(s), and other similar variants have been reported in HGMD; Not observed at significant frequency in large population cohorts (gnomAD); Has not been previously published as pathogenic or benign to our knowledge

Centre de Biologie Pathologie Génétique, Centre Hospitalier Universitaire de Lille
Classification: Pathogenic for Mowat-Wilson syndrome. Last evaluated: 2019-01-01. Review status: no assertion criteria provided. Collection method: clinical testing. Allele origin: de novo. Affected: yes. Not counted in ClinVar's aggregate classification.

NM_014795.4(ZEB2):c.2958_2961del (p.Ser987fs)

Gene: ZEB2 (zinc finger E-box binding homeobox 2; minus strand). Cytogenetic location: 2q22.3.
Variant type: Microsatellite.
Coding change: c.2958_2961del on transcript NM_014795.4 (MANE Select); coding-DNA positions 2958 to 2961, 4 bases deleted (GTCT; older notation c.2958_2961delGTCT).
Protein change: p.Ser987fs; shifts the reading frame from serine 987.
Molecular consequence: frameshift variant.
Genome position (GRCh38, 1-based): chr2:144,396,518-144,396,521, AGAC deleted on the plus strand (GTCT on the coding strand, the reverse complement: ZEB2 is on the minus strand); deleting any 4 consecutive bases within chr2:144,396,518-144,396,527 gives the same sequence; the c. name uses the placement nearest the transcript's 3' end. VCF-style (leftmost placement, unchanged base first): chr2-144396517-GAGAC-G. GRCh37 (hg19) VCF-style: chr2-145154084-GAGAC-G.
Other names: c.2886_2889del, p.Ser963fs (NM_001171653.2); short protein forms S963fs, S987fs.
Identifiers: ClinVar variation 975783 (VCV000975783.3), dbSNP rs1703231612, ClinGen allele CA1294884098.